The following is an entry in ClinVar:

NM_002474.3(MYH11):c.5171+12_5171+15del

Genes: NDE1 (nudE neurodevelopment protein 1; plus strand), MYH11 (myosin heavy chain 11; minus strand). Cytogenetic location: 16p13.11.
Variant type: Deletion.
Coding change: c.5171+12_5171+15del on transcript NM_002474.3 (MANE Select); bases 12 to 15 of the intron after coding-DNA position 5171, 4 bases deleted (AATG; older notation c.5171+12_5171+15delAATG).
Molecular consequence: intron variant.
Genome position (GRCh38, 1-based): chr16:15,719,205-15,719,208, CATT deleted on the plus strand (AATG on the coding strand, the reverse complement: MYH11 is on the minus strand); deleting any 4 consecutive bases within chr16:15,719,205-15,719,210 gives the same sequence; the c. name uses the placement nearest the transcript's 3' end. VCF-style (leftmost placement, unchanged base first): chr16-15719204-CCATT-C. GRCh37 (hg19) VCF-style: chr16-15813061-CCATT-C.
Other names: c.948-4984_948-4981del (NM_001143979.2, NM_017668.3); c.5171+12_5171+15del (NM_022844.3); c.5192+12_5192+15del (NM_001040114.2, NM_001040113.2); c.5192+12_5192+15delAATG (NM_001040113.2).
Identifiers: ClinVar variation 2055386 (VCV002055386.6), dbSNP rs1567691357, ClinGen allele CA919665125.

ClinVar aggregate classification (germline): Likely benign. Review status: criteria provided, multiple submitters, no conflicts (2 of 4 stars). 2 submissions from 2 submitters: Likely benign (2). Last evaluated 2025-09-24.

Conditions:
Aortic aneurysm, familial thoracic 4 (AAT4). Also called: AORTIC ANEURYSM/AORTIC DISSECTION AND PATENT DUCTUS ARTERIOSUS. Identifiers: MedGen C1851504, MONDO:0007568, OMIM 132900.

Submissions (2):

Labcorp Genetics (formerly Invitae), Labcorp
Classification: Likely benign for Aortic aneurysm, familial thoracic 4. Last evaluated: 2025-09-24. Review status: criteria provided, single submitter. Criteria: Invitae Variant Classification Sherloc (09022015). Collection method: clinical testing. Allele origin: germline.

Women's Health and Genetics/Laboratory Corporation of America, LabCorp
Classification: Likely benign. Last evaluated: 2025-04-07. Review status: criteria provided, single submitter. Criteria: LabCorp Variant Classification Summary - May 2015. Collection method: clinical testing. Allele origin: germline.
Comment: Variant summary: MYH11 c.5192+12_5192+15delAATG alters a non-conserved nucleotide located at a position not widely known to affect splicing. Consensus agreement among computation tools predict no significant impact on normal splicing. However, these predictions have yet to be confirmed by functional studies. The variant allele was found at a frequency of 4e-06 in 251004 control chromosomes (gnomAD). The available data on variant occurrences in the general population are insufficient to allow any conclusion about variant significance. To our knowledge, no occurrence of c.5192+12_5192+15delAATG in individuals affected with Aortopathy and no experimental evidence demonstrating its impact on protein function have been reported. ClinVar contains an entry for this variant (Variation ID: 2055386). Based on the evidence outlined above, the variant was classified as likely benign.